The following is an entry in ClinVar:

NM_002487.3(NDN):c.387C>T (p.Ile129=)

Gene: NDN (necdin, MAGE family member; minus strand). Cytogenetic location: 15q11.2.
Variant type: single nucleotide variant.
Coding change: c.387C>T on transcript NM_002487.3 (MANE Select); coding-DNA position 387, C replaced by T.
Protein change: p.Ile129=; no amino-acid change (isoleucine 129 retained).
Molecular consequence: synonymous variant.
Genome position (GRCh38, 1-based): chr15:23,686,831, G>A on the plus strand (C>T on the coding strand, the complement: NDN is on the minus strand). VCF-style: chr15-23686831-G-A. GRCh37 (hg19) VCF-style: chr15-23931978-G-A.
Identifiers: ClinVar variation 4821334 (VCV004821334.4).

ClinVar aggregate classification (germline): Likely benign (1 of 4 stars; one submission).

Submission:

CeGaT Center for Human Genetics Tuebingen
Classification: Likely benign. Last evaluated: 2026-02-01. Review status: criteria provided, single submitter. Criteria: CeGaT Center For Human Genetics Tuebingen Variant Classification Criteria Version 2. Collection method: clinical testing. Allele origin: germline. Affected: yes. Observed: 1 variant allele.
Comment: NDN: BP4, BP7